The following is an entry in ClinVar:

NM_024740.2(ALG9):c.218C>T (p.Ala73Val)

Gene: ALG9 (ALG9 alpha-1,2-mannosyltransferase; minus strand). Cytogenetic location: 11q23.1.
Variant type: single nucleotide variant.
Coding change: c.218C>T on transcript NM_024740.2 (MANE Select); coding-DNA position 218, C replaced by T.
Protein change: p.Ala73Val; replaces alanine 73 with valine.
Molecular consequence: missense variant. On other transcripts: 5 prime UTR variant (14), non-coding transcript variant (1), intron variant (1).
Genome position (GRCh38, 1-based): chr11:111,870,284, G>A on the plus strand (C>T on the coding strand, the complement: ALG9 is on the minus strand). VCF-style: chr11-111870284-G-A. GRCh37 (hg19) VCF-style: chr11-111741007-G-A.
Other names: c.218C>T, p.Ala73Val (NM_001077690.1, NM_001352417.1, NM_001352418.1); c.-296C>T (NM_001077691.2, NM_001077692.2, NM_001352412.2 and 5 more transcripts); c.-300C>T (NM_001352410.1, NM_001352411.2, NM_001352413.1 and 2 more transcripts); c.-514C>T (NM_001352422.2); c.-244+1068C>T (NM_001352409.1); short protein forms A73V.
Identifiers: ClinVar variation 3607220 (VCV003607220.2).

ClinVar aggregate classification (germline): Uncertain significance (1 of 4 stars; one submission).

Conditions:
ALG9 congenital disorder of glycosylation (CDG1L). Also called: CDG Il; ALG9-CDG; CONGENITAL DISORDER OF GLYCOSYLATION, TYPE Il. Identifiers: Orphanet 79328, MedGen C2931006, MONDO:0012117, OMIM 608776.

gnomAD v4.1: 16 of 1,610,228 alleles (0.00099%); highest among the groups gnomAD compares: Non-Finnish European, 0.0014%; no homozygotes.

Submission:

Labcorp Genetics (formerly Invitae), Labcorp
Classification: Uncertain significance for ALG9 congenital disorder of glycosylation. Last evaluated: 2024-12-15. Review status: criteria provided, single submitter. Criteria: Invitae Variant Classification Sherloc (09022015). Collection method: clinical testing. Allele origin: germline.
Comment: This sequence change replaces alanine, which is neutral and non-polar, with valine, which is neutral and non-polar, at codon 73 of the ALG9 protein (p.Ala73Val). This variant is not present in population databases (gnomAD no frequency). This variant has not been reported in the literature in individuals affected with ALG9-related conditions. Experimental studies and prediction algorithms are not available or were not evaluated, and the functional significance of this variant is currently unknown. In summary, the available evidence is currently insufficient to determine the role of this variant in disease. Therefore, it has been classified as a Variant of Uncertain Significance.